The following is an entry in ClinVar:

ClinVar aggregate classification (germline): Uncertain significance (1 of 4 stars; one submission).

Conditions:
POLD1-related polyposis and colorectal cancer syndrome (CRCS10). Also called: Colorectal cancer 10; COLORECTAL CANCER, SUSCEPTIBILITY TO, ON CHROMOSOME 19q; Colorectal cancer, susceptibility to, 10. Identifiers: Orphanet 220460, MedGen C2675481, MONDO:0012953, OMIM 612591.

Submission:

Labcorp Genetics (formerly Invitae), Labcorp
Classification: Uncertain significance for POLD1-related polyposis and colorectal cancer syndrome. Last evaluated: 2022-08-11. Review status: criteria provided, single submitter. Criteria: Invitae Variant Classification Sherloc (09022015). Collection method: clinical testing. Allele origin: germline.
Comment: In summary, the available evidence is currently insufficient to determine the role of this variant in disease. Therefore, it has been classified as a Variant of Uncertain Significance. This sequence change creates a premature translational stop signal (p.Phe637Serfs*12) in the POLD1 gene. Missense variants that disrupt the 3'-5' exonuclease (proof-reading) activity of the POLD1 protein are associated with an increased risk for colonic adenomatous polyps and colon cancer (PMID: 23263490, 23447401). However, loss-of-function variants that result in an absent or severely disrupted POLD1 protein, and missense variants outside the exonuclease domain, are unlikely to be associated with polyposis or colon cancer. This variant is not present in population databases (gnomAD no frequency). This variant has not been reported in the literature in individuals affected with POLD1-related conditions. Algorithms developed to predict the effect of sequence changes on RNA splicing suggest that this variant may disrupt the consensus splice site.

Literature cited by the submitters: PubMed 23263490; PubMed 23447401.

NM_002691.4(POLD1):c.1907_1908dup (p.Phe637fs)

Gene: POLD1 (DNA polymerase delta 1, catalytic subunit; plus strand). Cytogenetic location: 19q13.33.
Variant type: Duplication.
Coding change: c.1907_1908dup on transcript NM_002691.4 (MANE Select); coding-DNA positions 1907 to 1908, 2 bases duplicated (AG; older notation c.1907_1908dupAG).
Protein change: p.Phe637fs; shifts the reading frame from phenylalanine 637.
Molecular consequence: frameshift variant. On other transcripts: non-coding transcript variant (1).
Genome position (GRCh38, 1-based): chr19:50,409,136-50,409,137, AG duplicated. VCF-style (leftmost placement, unchanged base first): chr19-50409135-C-CAG. GRCh37 (hg19) VCF-style: chr19-50912392-C-CAG.
Other names: c.1907_1908dup, p.Phe637fs (NM_001256849.1); c.1985_1986dup, p.Phe663fs (NM_001308632.1); short protein forms F663fs, F637fs.
Identifiers: ClinVar variation 2022243 (VCV002022243.4), dbSNP rs2514014991, ClinGen allele CA2580097676.